The following is an entry in ClinVar:

ClinVar aggregate classification (germline): Uncertain significance. Review status: criteria provided, multiple submitters, no conflicts (2 of 4 stars). 2 submissions from 2 submitters: Uncertain significance (2). Last evaluated 2022-10-18.

Allele frequency attached by ClinVar (database versions not stated): TOPMed 0.00002.
gnomAD v4.1: 3 of 1,612,676 alleles (0.00019%); highest among the groups gnomAD compares: Admixed American, 0.005%; no homozygotes.

Submissions (2):

Labcorp Genetics (formerly Invitae), Labcorp
Classification: Uncertain significance. Last evaluated: 2022-10-18. Review status: criteria provided, single submitter. Criteria: Invitae Variant Classification Sherloc (09022015). Collection method: clinical testing. Allele origin: germline.
Comment: This sequence change replaces leucine, which is neutral and non-polar, with phenylalanine, which is neutral and non-polar, at codon 2868 of the CPLANE1 protein (p.Leu2868Phe). This variant is not present in population databases (gnomAD no frequency). This variant has not been reported in the literature in individuals affected with CPLANE1-related conditions. ClinVar contains an entry for this variant (Variation ID: 1497917). Advanced modeling of protein sequence and biophysical properties (such as structural, functional, and spatial information, amino acid conservation, physicochemical variation, residue mobility, and thermodynamic stability) performed at Invitae indicates that this missense variant is not expected to disrupt CPLANE1 protein function. In summary, the available evidence is currently insufficient to determine the role of this variant in disease. Therefore, it has been classified as a Variant of Uncertain Significance.

GeneDx
Classification: Uncertain significance. Last evaluated: 2022-02-04. Review status: criteria provided, single submitter. Criteria: GeneDx Variant Classification Process June 2021. Collection method: clinical testing. Allele origin: germline. Affected: yes.
Comment: Not observed at significant frequency in large population cohorts (gnomAD); In silico analysis supports that this missense variant does not alter protein structure/function; Has not been previously published as pathogenic or benign to our knowledge

NM_001384732.1(CPLANE1):c.8766A>T (p.Leu2922Phe)

Gene: CPLANE1 (ciliogenesis and planar polarity effector complex subunit 1; minus strand). Cytogenetic location: 5p13.2.
Variant type: single nucleotide variant.
Coding change: c.8766A>T on transcript NM_001384732.1 (MANE Select); coding-DNA position 8766, A replaced by T.
Protein change: p.Leu2922Phe; replaces leucine 2922 with phenylalanine.
Molecular consequence: missense variant.
Genome position (GRCh38, 1-based): chr5:37,138,746, T>A on the plus strand (A>T on the coding strand, the complement: CPLANE1 is on the minus strand). VCF-style: chr5-37138746-T-A. GRCh37 (hg19) VCF-style: chr5-37138848-T-A.
Other names: c.8604A>T, p.Leu2868Phe (NM_023073.4); short protein forms L2868F, L2922F.
Identifiers: ClinVar variation 1497917 (VCV001497917.7), dbSNP rs1768646731, ClinGen allele CA359505009.